The following is an entry in ClinVar:

NM_004565.3(PEX14):c.1024_1047del (p.Cys342_Asp349del)

Gene: PEX14 (peroxisomal biogenesis factor 14; plus strand). Cytogenetic location: 1p36.22.
Variant type: Deletion.
Coding change: c.1024_1047del on transcript NM_004565.3 (MANE Select); coding-DNA positions 1024 to 1047, 24 bases deleted (TGCCTGGGGGTGCAGAGGGAGGAC).
Protein change: p.Cys342_Asp349del.
Molecular consequence: inframe deletion.
Genome position (GRCh38, 1-based): chr1:10,629,877-10,629,900, TGCCTGGGGGTGCAGAGGGAGGAC deleted; deleting any 24 consecutive bases within chr1:10,629,870-10,629,900 gives the same sequence; the c. name uses the placement nearest the transcript's 3' end. VCF-style (leftmost placement, unchanged base first): chr1-10629869-AGGAGGACTGCCTGGGGGTGCAGAG-A. GRCh37 (hg19) VCF-style: chr1-10689926-AGGAGGACTGCCTGGGGGTGCAGAG-A.
Identifiers: ClinVar variation 1055691 (VCV001055691.6), dbSNP rs749458457, ClinGen allele CA584018.

ClinVar aggregate classification (germline): Uncertain significance (1 of 4 stars; one submission).

Conditions:
Peroxisome biogenesis disorder, complementation group K (CGK). Identifiers: MedGen C1866257, MONDO:0800365.

Submission:

Labcorp Genetics (formerly Invitae), Labcorp
Classification: Uncertain significance for Peroxisome biogenesis disorder, complementation group K. Last evaluated: 2022-08-13. Review status: criteria provided, single submitter. Criteria: Invitae Variant Classification Sherloc (09022015). Collection method: clinical testing. Allele origin: germline.
Comment: This variant, c.1024_1047del, results in the deletion of 8 amino acid(s) of the PEX14 protein (p.Cys342_Asp349del), but otherwise preserves the integrity of the reading frame. This variant is present in population databases (rs749458457, gnomAD 0.04%). This variant has not been reported in the literature in individuals affected with PEX14-related conditions. ClinVar contains an entry for this variant (Variation ID: 1055691). Experimental studies and prediction algorithms are not available or were not evaluated, and the functional significance of this variant is currently unknown. In summary, the available evidence is currently insufficient to determine the role of this variant in disease. Therefore, it has been classified as a Variant of Uncertain Significance.